The following is an entry in ClinVar:

NM_147191.1(MMP21):c.291G>T (p.Ala97=)

Gene: MMP21 (matrix metallopeptidase 21; minus strand). Cytogenetic location: 10q26.2.
Variant type: single nucleotide variant.
Coding change: c.291G>T on transcript NM_147191.1 (MANE Select); coding-DNA position 291, G replaced by T.
Protein change: p.Ala97=; no amino-acid change (alanine 97 retained).
Molecular consequence: synonymous variant.
Genome position (GRCh38, 1-based): chr10:125,774,237, C>A on the plus strand (G>T on the coding strand, the complement: MMP21 is on the minus strand). VCF-style: chr10-125774237-C-A. GRCh37 (hg19) VCF-style: chr10-127462806-C-A.
Identifiers: ClinVar variation 2640957 (VCV002640957.24), dbSNP rs28381283, ClinGen allele CA215320671.
Genomic context (GRCh38, chr10:125,774,237, plus strand): 5'-GCAGCGCGGCCGGTTCATGGCCGCTAGGGTGGCCGCGTCCAGCTCCCCGCTGGCCGGCAG[C>A]GCGTTCGCCCGCTGGAACCTGCGCACCGCCTCGGCCAGGGCGGCGCCCTTGGGGGTCTCC-3'
Protein context (NP_671724.1, residues 87-107): EAVRRFQRAN[Ala97=]LPASGELDAA

ClinVar aggregate classification (germline): Likely benign (1 of 4 stars; one submission).

Allele frequency attached by ClinVar (database versions not stated): TOPMed below 0.00001; gnomAD 0.00001; 1000 Genomes Project 30x 0.00031.
gnomAD v4.1: 5 of 1,401,036 alleles (0.00036%); highest among the groups gnomAD compares: Non-Finnish European, 0.00037%; no homozygotes.

Submission:

CeGaT Center for Human Genetics Tuebingen
Classification: Likely benign. Last evaluated: 2022-12-01. Review status: criteria provided, single submitter. Criteria: CeGaT Center For Human Genetics Tuebingen Variant Classification Criteria Version 2. Collection method: clinical testing. Allele origin: germline. Affected: yes. Observed: 1 variant allele.
Comment: MMP21: BP4, BP7